The following is an entry in ClinVar:

NM_001042424.3(NSD2):c.3457T>C (p.Trp1153Arg)

Gene: NSD2 (nuclear receptor binding SET domain protein 2; plus strand). Cytogenetic location: 4p16.3.
Variant type: single nucleotide variant.
Coding change: c.3457T>C on transcript NM_001042424.3 (MANE Select); coding-DNA position 3457, T replaced by C.
Protein change: p.Trp1153Arg; replaces tryptophan 1153 with arginine.
Molecular consequence: missense variant.
Genome position (GRCh38, 1-based): chr4:1,974,947, T>C. VCF-style: chr4-1974947-T-C. GRCh37 (hg19) VCF-style: chr4-1976674-T-C.
Other names: c.3457T>C, p.Trp1153Arg (NM_001440892.1, NM_133330.3, NM_133331.3 and 1 more transcripts); c.3556T>C, p.Trp1186Arg (NM_001440893.1); c.3340T>C, p.Trp1114Arg (NM_001440894.1); c.3310T>C, p.Trp1104Arg (NM_001440895.1); c.3256T>C, p.Trp1086Arg (NM_001440896.1); c.3250T>C, p.Trp1084Arg (NM_001440897.1); c.3133T>C, p.Trp1045Arg (NM_001440898.1); c.2488T>C, p.Trp830Arg (NM_001440899.1, NM_001440900.1); short protein forms W1153R, W830R, W1086R, W1104R, W1084R, W1045R, W1114R, W1186R.
Identifiers: ClinVar variation 5002906 (VCV005002906.1).

ClinVar aggregate classification (germline): Uncertain significance (1 of 4 stars; one submission).

Conditions:
Rauch-Steindl syndrome (RAUST). Identifiers: Orphanet 659642, MedGen C5562061, MONDO:0859219, OMIM 619695.

Submission:

OLLIN Analises Genomicas, OLLIN
Classification: Uncertain significance for Rauch-Steindl syndrome. Last evaluated: 2026-08-06. Review status: criteria provided, single submitter. Criteria: ACMG Guidelines 2015 PMID 25741868. Collection method: clinical testing. Allele origin: germline. Inheritance: Autosomal dominant inheritance.
Comment: This missense variant, located in exon 19 (of 22), is absent from gnomAD and ClinVar and has not been identified in the literature. In silico analysis predicts that this variant has a deleterious effect. According to the currently available evidence, this variant has been classified as uncertain significance (PM2_P, PP3_M).